The following is an entry in ClinVar:

ClinVar aggregate classification (germline): Uncertain significance (1 of 4 stars; one submission).

Conditions:
Mucopolysaccharidosis, MPS-IV-A (MPS4A). Also called: Morquio syndrome A, mild; MORQUIO SYNDROME A; GALACTOSAMINE-6-SULFATASE DEFICIENCY; GALNS DEFICIENCY; MORQUIO A DISEASE; Mucopolysaccharidosis type IV A. Identifiers: Orphanet 309297, Orphanet 582, MedGen C0086651, MONDO:0009659, OMIM 253000.

Allele frequency attached by ClinVar (database versions not stated): TOPMed below 0.00001; gnomAD 0.00003.
gnomAD v4.1: 6 of 1,613,928 alleles (0.00037%); highest among the groups gnomAD compares: African/African-American, 0.008%; no homozygotes.

Submission:

Labcorp Genetics (formerly Invitae), Labcorp
Classification: Uncertain significance for Mucopolysaccharidosis, MPS-IV-A. Last evaluated: 2022-06-24. Review status: criteria provided, single submitter. Criteria: Invitae Variant Classification Sherloc (09022015). Collection method: clinical testing. Allele origin: germline.
Comment: This sequence change replaces leucine, which is neutral and non-polar, with valine, which is neutral and non-polar, at codon 214 of the GALNS protein (p.Leu214Val). This variant is present in population databases (no rsID available, gnomAD 0.03%). This variant has not been reported in the literature in individuals affected with GALNS-related conditions. Advanced modeling of protein sequence and biophysical properties (such as structural, functional, and spatial information, amino acid conservation, physicochemical variation, residue mobility, and thermodynamic stability) performed at Invitae indicates that this missense variant is not expected to disrupt GALNS protein function. In summary, the available evidence is currently insufficient to determine the role of this variant in disease. Therefore, it has been classified as a Variant of Uncertain Significance.

NM_000512.5(GALNS):c.640C>G (p.Leu214Val)

Gene: GALNS (galactosamine (N-acetyl)-6-sulfatase; minus strand). Cytogenetic location: 16q24.3.
Variant type: single nucleotide variant.
Coding change: c.640C>G on transcript NM_000512.5 (MANE Select); coding-DNA position 640, C replaced by G.
Protein change: p.Leu214Val; replaces leucine 214 with valine.
Molecular consequence: missense variant.
Genome position (GRCh38, 1-based): chr16:88,835,843, G>C on the plus strand (C>G on the coding strand, the complement: GALNS is on the minus strand). VCF-style: chr16-88835843-G-C. GRCh37 (hg19) VCF-style: chr16-88902251-G-C.
Other names: c.85C>G, p.Leu29Val (NM_001323543.2); c.658C>G, p.Leu220Val (NM_001323544.2); short protein forms L29V, L220V, L214V.
Identifiers: ClinVar variation 1435631 (VCV001435631.3), dbSNP rs1424752390, ClinGen allele CA397080799.
Genomic context (GRCh38, chr16:88,835,843, plus strand): 5'-CGTCGACAGCCCAGTAGAGGAAAAAGGGGTGGTGCCGTGCCTGTCTCTTAATGAAGTCCA[G>C]GGCTTCCTATGGAGAGAGCCACACCGTCGTCCTCCAGCCTCAGGCCGACCTCCTCATGCC-3'
Protein context (NP_000503.1, residues 204-224): NLTQIYLQEA[Leu214Val]DFIKRQARHH